The following is an entry in ClinVar:

ClinVar aggregate classification (germline): Likely benign. Review status: criteria provided, multiple submitters, no conflicts (2 of 4 stars). 3 submissions from 3 submitters: Likely benign (3). Last evaluated 2026-01-06.

Conditions:
Mucopolysaccharidosis, MPS-IV-A (MPS4A). Also called: Mucopolysaccharidosis type IV A; GALACTOSAMINE-6-SULFATASE DEFICIENCY; GALNS DEFICIENCY; MORQUIO A DISEASE; MPS IVA; Morquio syndrome A, mild. Identifiers: Orphanet 309297, Orphanet 582, MedGen C0086651, MONDO:0009659, OMIM 253000.

Allele frequency attached by ClinVar (database versions not stated): TOPMed 0.00031; ExAC 0.00003; gnomAD exomes 0.00004; gnomAD 0.00005 and 0.00021; ESP Exome Variant Server 0.00015.
gnomAD v4.1: 87 of 1,613,902 alleles (0.0054%); highest among the groups gnomAD compares: Admixed American, 0.0083%; no homozygotes.

Submissions (3):

Labcorp Genetics (formerly Invitae), Labcorp
Classification: Likely benign for Mucopolysaccharidosis, MPS-IV-A. Last evaluated: 2026-01-06. Review status: criteria provided, single submitter. Criteria: Invitae Variant Classification Sherloc (09022015). Collection method: clinical testing. Allele origin: germline.

CeGaT Center for Human Genetics Tuebingen
Classification: Likely benign. Last evaluated: 2025-11-01. Review status: criteria provided, single submitter. Criteria: CeGaT Center For Human Genetics Tuebingen Variant Classification Criteria Version 2. Collection method: clinical testing. Allele origin: germline. Affected: yes. Observed: 2 variant alleles.
Comment: GALNS: BP4, BP7

Blueprint Genetics
Classification: Likely benign. Last evaluated: 2024-08-08. Review status: criteria provided, single submitter. Criteria: ACMG Guidelines, 2015. Collection method: clinical testing. Allele origin: germline.

NM_000512.5(GALNS):c.756G>A (p.Gly252=)

Gene: GALNS (galactosamine (N-acetyl)-6-sulfatase; minus strand). Cytogenetic location: 16q24.3.
Variant type: single nucleotide variant.
Coding change: c.756G>A on transcript NM_000512.5 (MANE Select); coding-DNA position 756, G replaced by A.
Protein change: p.Gly252=; no amino-acid change (glycine 252 retained).
Molecular consequence: synonymous variant.
Genome position (GRCh38, 1-based): chr16:88,835,727, C>T on the plus strand (G>A on the coding strand, the complement: GALNS is on the minus strand). VCF-style: chr16-88835727-C-T. GRCh37 (hg19) VCF-style: chr16-88902135-C-T.
Other names: c.201G>A, p.Gly67= (NM_001323543.2); c.774G>A, p.Gly258= (NM_001323544.2).
Identifiers: ClinVar variation 742037 (VCV000742037.31), dbSNP rs146538873, ClinGen allele CA8235005.